The following is an entry in ClinVar:

ClinVar aggregate classification (germline): Benign/Likely benign. Review status: criteria provided, multiple submitters, no conflicts (2 of 4 stars). 8 submissions from 7 submitters: Benign (6); Likely benign (1). 1 of the submissions does not count toward it. Last evaluated 2026-02-04.

Conditions:
Disorders of Intracellular Cobalamin Metabolism. Identifiers: MedGen CN043592.
Methylmalonic aciduria and homocystinuria type cblD (MAHCD). Also called: Methylmalonic aciduria with homocystinuria cblD type; METHYLMALONIC ACIDEMIA, cblH TYPE. Identifiers: Orphanet 622, Orphanet 79283, MedGen C1848552, MONDO:0010185, OMIM 277410.

Allele frequency attached by ClinVar (database versions not stated): gnomAD exomes 0.00103 and 0.00259; gnomAD 0.01067 and 0.00987; 1000 Genomes Project 0.01078; ExAC 0.00316; TOPMed 0.01121; ESP Exome Variant Server 0.01146; 1000 Genomes Project 30x 0.01171.
gnomAD v4.1: 3,076 of 1,613,626 alleles (0.19%); highest among the groups gnomAD compares: African/African-American, 3.5%; 60 homozygotes.

Submissions (8):

Labcorp Genetics (formerly Invitae), Labcorp
Classification: Benign for Methylmalonic aciduria and homocystinuria type cblD. Last evaluated: 2026-02-04. Review status: criteria provided, single submitter. Criteria: Invitae Variant Classification Sherloc (09022015). Collection method: clinical testing. Allele origin: germline.

Mayo Clinic Laboratories, Mayo Clinic
Classification: Likely benign. Last evaluated: 2024-11-14. Review status: criteria provided, single submitter. Criteria: ACMG Guidelines, 2015. Collection method: clinical testing. Allele origin: germline. Observed: 1 variant allele.
Comment: BA1, BS2

ARUP Laboratories, Molecular Genetics and Genomics, ARUP Laboratories
Classification: Benign. Last evaluated: 2023-11-29. Review status: criteria provided, single submitter. Criteria: ARUP Molecular Germline Variant Investigation Process 2024. Collection method: clinical testing. Allele origin: germline.

Illumina Laboratory Services, Illumina
Classification: Benign for Disorders of Intracellular Cobalamin Metabolism. Last evaluated: 2018-01-13. Review status: criteria provided, single submitter. Criteria: ICSL Variant Classification Criteria 13 December 2019. Collection method: clinical testing. Allele origin: germline.
Comment: This variant was observed in the ICSL laboratory as part of a predisposition screen in an ostensibly healthy population. It had not been previously curated by ICSL or reported in the Human Gene Mutation Database (HGMD: prior to June 1st, 2018), and was therefore a candidate for classification through an automated scoring system. Utilizing variant allele frequency, disease prevalence and penetrance estimates, and inheritance mode, an automated score was calculated to assess if this variant is too frequent to cause the disease. Based on the score and internal cut-off values, a variant classified as benign is not then subjected to further curation. The score for this variant resulted in a classification of benign for this disease.

Illumina Laboratory Services, Illumina
Classification: Benign for Methylmalonic aciduria and homocystinuria type cblD. Last evaluated: 2018-01-13. Review status: criteria provided, single submitter. Criteria: ICSL Variant Classification Criteria 13 December 2019. Collection method: clinical testing. Allele origin: germline.
Comment: the same text as in the submission from Illumina Laboratory Services, Illumina above.

GeneDx
Classification: Benign. Last evaluated: 2016-04-03. Review status: criteria provided, single submitter. Criteria: GeneDx Variant Classification (06012015). Collection method: clinical testing. Allele origin: germline. Affected: yes.
Comment: This variant is considered likely benign or benign based on one or more of the following criteria: it is a conservative change, it occurs at a poorly conserved position in the protein, it is predicted to be benign by multiple in silico algorithms, and/or has population frequency not consistent with disease.

Breakthrough Genomics
Classification: Benign. Review status: criteria provided, single submitter. Criteria: ACMG Guidelines, 2015. Collection method: not provided. Allele origin: germline. Inheritance: Autosomal recessive inheritance. Affected: yes.

Natera, Inc.
Classification: Benign for Methylmalonic aciduria with homocystinuria cblD type. Last evaluated: 2020-09-16. Review status: no assertion criteria provided. Collection method: clinical testing. Allele origin: germline. Not counted in ClinVar's aggregate classification.

NM_015702.3(MMADHC):c.412G>A (p.Glu138Lys)

Gene: MMADHC (metabolism of cobalamin associated D; minus strand). Cytogenetic location: 2q23.2.
Variant type: single nucleotide variant.
Coding change: c.412G>A on transcript NM_015702.3 (MANE Select); coding-DNA position 412, G replaced by A.
Protein change: p.Glu138Lys; replaces glutamic acid 138 with lysine.
Molecular consequence: missense variant.
Genome position (GRCh38, 1-based): chr2:149,576,503, C>T on the plus strand (G>A on the coding strand, the complement: MMADHC is on the minus strand). VCF-style: chr2-149576503-C-T. GRCh37 (hg19) VCF-style: chr2-150433017-C-T.
Other names: p.Glu138Lys; short protein forms E138K.
Identifiers: ClinVar variation 331380 (VCV000331380.18), dbSNP rs61746421, ClinGen allele CA1902413.